The following is an entry in ClinVar:

ClinVar aggregate classification (germline): Uncertain significance (1 of 4 stars; one submission).

Conditions:
MELAS syndrome (MELAS). Also called: Juvenile myopathy, encephalopathy, lactic acidosis, stroke. Identifiers: Orphanet 550, MedGen C0162671, MONDO:0010789, OMIM 540000.

Submission:

Wong Mito Lab, Molecular and Human Genetics, Baylor College of Medicine
Classification: Uncertain significance for MELAS syndrome. Last evaluated: 2019-07-12. Review status: criteria provided, single submitter. Criteria: Modified ACMG Guidelines (Unpublished). Collection method: clinical testing. Allele origin: germline.
Comment: The NC_012920.1:m.5645G>A variant in MT-TA gene is interpreted to be a Unknown Significance variant based on the modified ACMG guidelines (unpublished). This variant meets the following evidence codes reported in the guidelines: PP3, PP7

Literature cited by the submitters: PubMed 31965079.

NC_012920.1(MT-TA):m.5645G>A

Gene: MT-TA (mitochondrially encoded tRNA alanine; minus strand).
Variant type: single nucleotide variant.
Genome position: chrM-5645-G-A.
Identifiers: ClinVar variation 689964 (VCV000689964.1), dbSNP rs1603220068, ClinGen allele CA913180112.